The following is an entry in ClinVar:

ClinVar aggregate classification (germline): Likely benign. Review status: criteria provided, multiple submitters, no conflicts (2 of 4 stars). 3 submissions from 3 submitters: Likely benign (3). Last evaluated 2024-11-01.

Conditions:
Inborn genetic diseases. Identifiers: MedGen C0950123, MeSH D030342.

Submissions (3):

CeGaT Center for Human Genetics Tuebingen
Classification: Likely benign. Last evaluated: 2024-11-01. Review status: criteria provided, single submitter. Criteria: CeGaT Center For Human Genetics Tuebingen Variant Classification Criteria Version 2. Collection method: clinical testing. Allele origin: germline. Affected: yes. Observed: 1 variant allele.
Comment: SON: BP3, BS2

Labcorp Genetics (formerly Invitae), Labcorp
Classification: Likely benign. Last evaluated: 2024-03-26. Review status: criteria provided, single submitter. Criteria: Invitae Variant Classification Sherloc (09022015). Collection method: clinical testing. Allele origin: germline.

Ambry Genetics
Classification: Likely benign for Inborn genetic diseases. Last evaluated: 2023-01-06. Review status: criteria provided, single submitter. Criteria: Ambry Variant Classification Scheme 2023. Collection method: clinical testing. Allele origin: germline.

NM_138927.4(SON):c.1291_1323del (p.Pro431_Pro441del)

Gene: SON (SON DNA and RNA binding protein; plus strand). Cytogenetic location: 21q22.11.
Variant type: Deletion.
Coding change: c.1291_1323del on transcript NM_138927.4 (MANE Select); coding-DNA positions 1291 to 1323, 33 bases deleted.
Protein change: p.Pro431_Pro441del.
Molecular consequence: inframe deletion. On other transcripts: non-coding transcript variant (1), intron variant (1).
Genome position (GRCh38, 1-based): chr21:33,550,522-33,550,554, 33 bases deleted; deleting any 33 consecutive bases within chr21:33,550,499-33,550,554 gives the same sequence; the c. name uses the placement nearest the transcript's 3' end. GRCh37 (hg19): chr21:34,922,828-34,922,860.
Other names: c.1291_1323delCCTGCGACAGCAGTGCCTGAGTTGCCAGGGCCC (NM_032195.2); c.1291_1323del33 (NM_138927.1); c.1291_1323del, p.Pro431_Pro441del (NM_001291411.2, NM_032195.3); c.244+4143_244+4175del (NM_001291412.3).
Identifiers: ClinVar variation 722827 (VCV000722827.22), dbSNP rs775855396, ClinGen allele CA10008861.